The following is an entry in ClinVar:

NM_004336.5(BUB1):c.197C>G (p.Pro66Arg)

Gene: BUB1 (BUB1 mitotic checkpoint serine/threonine kinase; minus strand). Cytogenetic location: 2q13.
Variant type: single nucleotide variant.
Coding change: c.197C>G on transcript NM_004336.5 (MANE Select); coding-DNA position 197, C replaced by G.
Protein change: p.Pro66Arg; replaces proline 66 with arginine.
Molecular consequence: missense variant.
Genome position (GRCh38, 1-based): chr2:110,674,114, G>C on the plus strand (C>G on the coding strand, the complement: BUB1 is on the minus strand). VCF-style: chr2-110674114-G-C. GRCh37 (hg19) VCF-style: chr2-111431691-G-C.
Other names: c.137C>G, p.Pro46Arg (NM_001278616.2); c.197C>G, p.Pro66Arg (NM_001278617.2); short protein forms P46R, P66R.
Identifiers: ClinVar variation 2586138 (VCV002586138.2), dbSNP rs2468038576, ClinGen allele CA348221129.
Genomic context (GRCh38, chr2:110,674,114, plus strand): 5'-TAGATTTGATTATACATCTTAAGTATACTTACAAATTTTAAACAATAACTGATGAATCTT[G>C]GGTCATTGTGGTATTTCTTCTTATCTAAAAATTCCTTCATTAAATGTTCTAGTAAAGTTA-3'
Protein context (NP_004327.1, residues 56-76): FLDKKKYHND[Pro66Arg]RFISYCLKFA

ClinVar aggregate classification (germline): Uncertain significance (1 of 4 stars; one submission).

Submission:

Ambry Genetics
Classification: Uncertain significance. Last evaluated: 2023-06-24. Review status: criteria provided, single submitter. Criteria: Ambry Variant Classification Scheme 2023. Collection method: clinical testing. Allele origin: germline.
Comment: The p.P66R variant (also known as c.197C>G), located in coding exon 3 of the BUB1 gene, results from a C to G substitution at nucleotide position 197. The proline at codon 66 is replaced by arginine, an amino acid with dissimilar properties. This amino acid position is conserved. In addition, this alteration is predicted to be tolerated by in silico analysis. Since supporting evidence is limited at this time, the clinical significance of this alteration remains unclear.